The following is an entry in ClinVar:

ClinVar aggregate classification (germline): not provided (0 of 4 stars; one submission).

Allele frequency attached by ClinVar (database versions not stated): gnomAD exomes 0.00001; gnomAD 0.00002; ExAC 0.00003; TOPMed 0.00003; ESP Exome Variant Server 0.00008.
gnomAD v4.1: 21 of 1,595,926 alleles (0.0013%); highest among the groups gnomAD compares: Non-Finnish European, 0.0017%; no homozygotes.

Submission:

Richard Lifton Laboratory, Yale University School of Medicine
No classification provided. Review status: no classification provided. Collection method: not provided. Allele origin: germline.
Comment: KDM5A
ClinVar note: Converted during submission from untested to not provided.

NM_001042603.3(KDM5A):c.4522C>T (p.Arg1508Trp)

Gene: KDM5A (lysine demethylase 5A; minus strand). Cytogenetic location: 12p13.33.
Variant type: single nucleotide variant.
Coding change: c.4522C>T on transcript NM_001042603.3 (MANE Select); coding-DNA position 4522, C replaced by T.
Protein change: p.Arg1508Trp; replaces arginine 1508 with tryptophan.
Molecular consequence: missense variant.
Genome position (GRCh38, 1-based): chr12:293,103, G>A on the plus strand (C>T on the coding strand, the complement: KDM5A is on the minus strand). VCF-style: chr12-293103-G-A. GRCh37 (hg19) VCF-style: chr12-402269-G-A.
Other names: short protein forms R1508W.
Identifiers: ClinVar variation 135627 (VCV000135627.2), dbSNP rs367537993, ClinGen allele CA232411.
Genomic context (GRCh38, chr12:293,103, plus strand): 5'-TTAACTCCTTGGACTTCTGTTTTCCTTCTCCAAAAAGTTGCTCTACCTTTTCTAGCTTCC[G>A]TTTCCGTTTCTTCTCTGAAGAGTCCTTTCCTTTCACTTTTAGTGGTTTCTCTTCCATGCT-3'
Protein context (NP_001036068.1, residues 1498-1518): GKDSSEKKRK[Arg1508Trp]KLEKVEQLFG